The following is an entry in ClinVar:

ClinVar aggregate classification (germline): Uncertain significance (1 of 4 stars; one submission).

Submission:

Labcorp Genetics (formerly Invitae), Labcorp
Classification: Uncertain significance. Last evaluated: 2025-12-01. Review status: criteria provided, single submitter. Criteria: Invitae Variant Classification Sherloc (09022015). Collection method: clinical testing. Allele origin: germline.
Comment: This sequence change replaces serine, which is neutral and polar, with proline, which is neutral and non-polar, at codon 211 of the TNFAIP3 protein (p.Ser211Pro). This variant is not present in population databases (gnomAD no frequency). This variant has not been reported in the literature in individuals affected with TNFAIP3-related conditions. Invitae Evidence Modeling of protein sequence and biophysical properties (such as structural, functional, and spatial information, amino acid conservation, physicochemical variation, residue mobility, and thermodynamic stability) indicates that this missense variant is not expected to disrupt TNFAIP3 protein function with a negative predictive value of 80%. In summary, the available evidence is currently insufficient to determine the role of this variant in disease. Therefore, it has been classified as a Variant of Uncertain Significance.

NM_001270508.2(TNFAIP3):c.631T>C (p.Ser211Pro)

Genes: TNFAIP3 (TNF alpha induced protein 3; plus strand), LOC126859807 (MED14-independent group 3 enhancer GRCh37_chr6:138196296-138197495; plus strand). Cytogenetic location: 6q23.3.
Variant type: single nucleotide variant.
Coding change: c.631T>C on transcript NM_001270508.2 (MANE Select); coding-DNA position 631, T replaced by C.
Protein change: p.Ser211Pro; replaces serine 211 with proline.
Molecular consequence: missense variant.
Genome position (GRCh38, 1-based): chr6:137,875,832, T>C. VCF-style: chr6-137875832-T-C. GRCh37 (hg19) VCF-style: chr6-138196969-T-C.
Other names: c.631T>C, p.Ser211Pro (NM_001270507.2, NM_006290.4); short protein forms S211P.
Identifiers: ClinVar variation 4704595 (VCV004704595.1).
Genomic context (GRCh38, chr6:137,875,832, plus strand): 5'-CTGGAAGAAATACACATATTTGTCCTTTGCAACATCCTCAGAAGGCCAATCATTGTCATT[T>C]CAGGTGAGATGCCTGCAGATCACGGATCTGTACTTAAATGCTTTCAGCCTTATGCCTTGG-3'
Protein context (NP_001257437.1, residues 201-221): NILRRPIIVI[Ser211Pro]DKMLRSLESG